The following is an entry in ClinVar:

ClinVar aggregate classification (germline): Benign. Review status: criteria provided, multiple submitters, no conflicts (2 of 4 stars). 3 submissions from 3 submitters: Benign (2). 1 of the submissions does not count toward it. Last evaluated 2021-05-04.

Conditions:
DNAH17-related disorder. Also called: DNAH17-related condition.

Allele frequency attached by ClinVar (database versions not stated): gnomAD exomes 0.00295 and 0.00722; ExAC 0.01506; gnomAD 0.02850 and 0.03043; 1000 Genomes Project 30x 0.03201; ESP Exome Variant Server 0.03207; 1000 Genomes Project 0.03235; TOPMed 0.03293.
gnomAD v4.1: 8,838 of 1,603,452 alleles (0.55%); highest among the groups gnomAD compares: African/African-American, 9.8%; 412 homozygotes.

Submissions (3):

GeneDx
Classification: Benign. Last evaluated: 2021-05-04. Review status: criteria provided, single submitter. Criteria: GeneDx Variant Classification Process June 2021. Collection method: clinical testing. Allele origin: germline. Affected: yes.

Breakthrough Genomics
Classification: Benign. Review status: criteria provided, single submitter. Criteria: ACMG Guidelines, 2015. Collection method: not provided. Allele origin: germline. Inheritance: Autosomal recessive inheritance. Affected: yes.

PreventionGenetics, part of Exact Sciences
Classification: Benign for DNAH17-related condition. Last evaluated: 2020-02-24. Review status: no assertion criteria provided. Collection method: clinical testing. Allele origin: germline. Not counted in ClinVar's aggregate classification.
Comment: This variant is classified as benign based on ACMG/AMP sequence variant interpretation guidelines (Richards et al. 2015 PMID: 25741868, with internal and published modifications).

NM_173628.4(DNAH17):c.11085T>C (p.Pro3695=)

Gene: DNAH17 (dynein axonemal heavy chain 17; minus strand). Cytogenetic location: 17q25.3.
Variant type: single nucleotide variant.
Coding change: c.11085T>C on transcript NM_173628.4 (MANE Select); coding-DNA position 11085, T replaced by C.
Protein change: p.Pro3695=; no amino-acid change (proline 3695 retained).
Molecular consequence: synonymous variant.
Genome position (GRCh38, 1-based): chr17:78,449,540, A>G on the plus strand (T>C on the coding strand, the complement: DNAH17 is on the minus strand). VCF-style: chr17-78449540-A-G. GRCh37 (hg19) VCF-style: chr17-76445622-A-G.
Identifiers: ClinVar variation 1254953 (VCV001254953.5), dbSNP rs584102, ClinGen allele CA8800578.